The following is an entry in ClinVar:

ClinVar aggregate classification (germline): Conflicting classifications of pathogenicity. Review status: criteria provided, conflicting classifications (1 of 4 stars). 6 submissions from 6 submitters: Likely pathogenic (4); Uncertain significance (2). Last evaluated 2025-12-18.

Conditions:
Very long chain acyl-CoA dehydrogenase deficiency (ACADVLD). Also called: Very Long-Chain Acyl-Coenzyme A Dehydrogenase Deficiency; VLCAD Deficiency. Identifiers: Orphanet 26793, MedGen C3887523, MONDO:0008723, OMIM 201475.

Allele frequency attached by ClinVar (database versions not stated): gnomAD 0.00003; TOPMed 0.00003.
gnomAD v4.1: 54 of 1,613,970 alleles (0.0033%); highest among the groups gnomAD compares: African/African-American, 0.008%; no homozygotes.

Submissions (6):

Natera, Inc.
Classification: Likely pathogenic for Very long chain acyl-CoA dehydrogenase deficiency. Last evaluated: 2025-12-18. Review status: criteria provided, single submitter. Criteria: Natera Variant Classification Schema (03/2026). Collection method: clinical testing. Allele origin: germline.
Comment: The c.1246G>T variant in ACADVL is a missense variant predicted to cause substitution of alanine to serine at amino acid 416. This variant is rare in the general population with a frequency below the threshold expected for the associated phenotype(s). This variant has been observed in one or more individuals affected with the associated recessive disease, as either homozygous or compound heterozygous with a second variant (PMID: 30194637). A different variant at the same position has been determined to be Pathogenic or Likely Pathogenic. Computational prediction algorithms indicate this variant is likely to affect gene or protein function. Given the available evidence, this variant is classified as Likely Pathogenic.

Labcorp Genetics (formerly Invitae), Labcorp
Classification: Likely pathogenic for Very long chain acyl-CoA dehydrogenase deficiency. Last evaluated: 2024-09-24. Review status: criteria provided, single submitter. Criteria: Invitae Variant Classification Sherloc (09022015). Collection method: clinical testing. Allele origin: germline.
Comment: This sequence change replaces alanine, which is neutral and non-polar, with serine, which is neutral and polar, at codon 416 of the ACADVL protein (p.Ala416Ser). This variant is present in population databases (rs118204018, gnomAD 0.002%). This missense change has been observed in individual(s) with VLCAD deficiency (PMID: 25456746). This variant is also known as p.A376S. ClinVar contains an entry for this variant (Variation ID: 553497). Invitae Evidence Modeling of protein sequence and biophysical properties (such as structural, functional, and spatial information, amino acid conservation, physicochemical variation, residue mobility, and thermodynamic stability) indicates that this missense variant is expected to disrupt ACADVL protein function with a positive predictive value of 95%. This variant disrupts the p.Ala416 amino acid residue in ACADVL. Other variant(s) that disrupt this residue have been determined to be pathogenic (PMID: 11158518, 11914034, 15210884). This suggests that this residue is clinically significant, and that variants that disrupt this residue are likely to be disease-causing. In summary, the currently available evidence indicates that the variant is pathogenic, but additional data are needed to prove that conclusively. Therefore, this variant has been classified as Likely Pathogenic.

Fulgent Genetics
Classification: Likely pathogenic for Very long chain acyl-CoA dehydrogenase deficiency. Last evaluated: 2024-02-22. Review status: criteria provided, single submitter. Criteria: ACMG Guidelines, 2015. Collection method: clinical testing. Allele origin: germline.

Baylor Genetics
Classification: Likely pathogenic for Very long chain acyl-CoA dehydrogenase deficiency. Last evaluated: 2024-01-29. Review status: criteria provided, single submitter. Criteria: ACMG Guidelines, 2015. Collection method: clinical testing. Allele origin: unknown.

Myriad Genetics, Inc.
Classification: Uncertain significance for Very long chain acyl-CoA dehydrogenase deficiency. Last evaluated: 2021-10-20. Review status: criteria provided, single submitter. Criteria: Myriad Women's Health Autosomal Recessive and X-Linked Classification Criteria (2021). Collection method: clinical testing. Allele origin: unknown.
Comment: NM_000018.3(ACADVL):c.1246G>T(A416S) is a missense variant classified as a variant of uncertain significance in the context of very-long-chain acyl-CoA dehydrogenase deficiency. A416S has been observed in cases with relevant disease (PMID: 25456746, 26385305, 30194637). Functional assessments of this variant are not available in the literature. A416S has been observed in population frequency databases (gnomAD: NFE 0.01%). In summary, there is insufficient evidence to classify NM_000018.3(ACADVL):c.1246G>T(A416S) as pathogenic or benign. Please note: this variant was assessed in the context of healthy population screening.

Wong Mito Lab, Molecular and Human Genetics, Baylor College of Medicine
Classification: Uncertain significance for Very long chain acyl-CoA dehydrogenase deficiency. Last evaluated: 2019-11-01. Review status: criteria provided, single submitter. Criteria: ACMG Guidelines, 2015. Collection method: clinical testing. Allele origin: germline.
Comment: The NM_000018.3:c.1246G>T (NP_000009.1:p.Ala416Ser) [GRCH38: NC_000017.11:g.7223707G>T] variant in ACADVL gene is interpretated to be Uncertain Significance based on ACMG guidelines (PMID: 25741868). This variant has been reported. This variant meets the following evidence codes reported in the ACMG guidelines: PP3

Literature cited by the submitters: PubMed 30194637 (cited by Natera, Inc. and Myriad Genetics, Inc.); PubMed 25456746 (cited by Labcorp Genetics (formerly Invitae), Labcorp and Myriad Genetics, Inc.); PubMed 11158518 (cited by Labcorp Genetics (formerly Invitae), Labcorp); PubMed 11914034 (cited by Labcorp Genetics (formerly Invitae), Labcorp); PubMed 15210884 (cited by Labcorp Genetics (formerly Invitae), Labcorp); PubMed 26385305 (cited by Myriad Genetics, Inc.).

NM_000018.4(ACADVL):c.1246G>T (p.Ala416Ser)

Gene: ACADVL (acyl-CoA dehydrogenase very long chain; plus strand). Cytogenetic location: 17p13.1.
Variant type: single nucleotide variant.
Coding change: c.1246G>T on transcript NM_000018.4 (MANE Select); coding-DNA position 1246, G replaced by T.
Protein change: p.Ala416Ser; replaces alanine 416 with serine.
Molecular consequence: missense variant.
Genome position (GRCh38, 1-based): chr17:7,223,707, G>T. VCF-style: chr17-7223707-G-T. GRCh37 (hg19) VCF-style: chr17-7127026-G-T.
Other names: c.1180G>T, p.Ala394Ser (NM_001033859.3); c.1315G>T, p.Ala439Ser (NM_001270447.2); c.1018G>T, p.Ala340Ser (NM_001270448.2); short protein forms A416S, A340S, A394S, A439S.
Identifiers: ClinVar variation 553497 (VCV000553497.15), dbSNP rs118204018, ClinGen allele CA8338046.
Genomic context (GRCh38, chr17:7,223,707, plus strand): 5'-ATGGCTTACATGGTGAGTGCTAACATGGACCAGGGAGCCACGGACTTCCAGATAGAGGCC[G>T]CCATCAGCAAAATCTTTGGCTCGGTGAGGTCCCAGGCATGCTGGGAGGGAGTCCAGTTTG-3'
Protein context (NP_000009.1, residues 406-426): QGATDFQIEA[Ala416Ser]ISKIFGSEAA